The following is an entry in ClinVar:

NM_001367561.1(DOCK7):c.320+5G>A

Gene: DOCK7 (dedicator of cytokinesis 7; minus strand). Cytogenetic location: 1p31.3.
Variant type: single nucleotide variant.
Coding change: c.320+5G>A on transcript NM_001367561.1 (MANE Select); 5 bases into the intron after coding-DNA position 320, G replaced by A.
Molecular consequence: intron variant.
Genome position (GRCh38, 1-based): chr1:62,653,979, C>T on the plus strand (G>A on the coding strand, the complement: DOCK7 is on the minus strand). VCF-style: chr1-62653979-C-T. GRCh37 (hg19) VCF-style: chr1-63119650-C-T.
Other names: c.320+5G>A (NM_001272001.2, NM_001272000.2, NM_033407.4 and 3 more transcripts).
Identifiers: ClinVar variation 647641 (VCV000647641.5), dbSNP rs774913003, ClinGen allele CA887228.

ClinVar aggregate classification (germline): Uncertain significance (1 of 4 stars; one submission).

Conditions:
Developmental and epileptic encephalopathy, 23 (DEE23). Also called: Epileptic encephalopathy, early infantile, 23. Identifiers: Orphanet 411986, MedGen C4014492, MONDO:0014371, OMIM 615859.

Allele frequency attached by ClinVar (database versions not stated): gnomAD exomes below 0.00001; ExAC 0.00001.
gnomAD v4.1: 6 of 1,611,720 alleles (0.00037%); highest among the groups gnomAD compares: South Asian, 0.0011%; no homozygotes.

Submission:

Labcorp Genetics (formerly Invitae), Labcorp
Classification: Uncertain significance for Developmental and epileptic encephalopathy, 23. Last evaluated: 2018-07-08. Review status: criteria provided, single submitter. Criteria: Invitae Variant Classification Sherloc (09022015). Collection method: clinical testing. Allele origin: germline.
Comment: This variant has not been reported in the literature in individuals with DOCK7-related disease. Nucleotide substitutions within the consensus splice site are a relatively common cause of aberrant splicing (PMID: 17576681, 9536098). Algorithms developed to predict the effect of sequence changes on RNA splicing suggest that this variant is not likely to affect RNA splicing, but this prediction has not been confirmed by published transcriptional studies. In summary, the available evidence is currently insufficient to determine the role of this variant in disease. Therefore, it has been classified as a Variant of Uncertain Significance. This sequence change falls in intron 3 of the DOCK7 gene. It does not directly change the encoded amino acid sequence of the DOCK7 protein, but it affects a nucleotide within the consensus splice site of the intron. This variant is present in population databases (rs774913003, ExAC 0.002%).

Literature cited by the submitters: PubMed 17576681; PubMed 9536098.